The following is an entry in ClinVar:

ClinVar aggregate classification (germline): Uncertain significance (1 of 4 stars; one submission).

Submission:

Labcorp Genetics (formerly Invitae), Labcorp
Classification: Uncertain significance. Last evaluated: 2024-04-03. Review status: criteria provided, single submitter. Criteria: Invitae Variant Classification Sherloc (09022015). Collection method: clinical testing. Allele origin: germline.
Comment: This sequence change replaces phenylalanine, which is neutral and non-polar, with leucine, which is neutral and non-polar, at codon 163 of the MPP5 protein (p.Phe163Leu). This variant is not present in population databases (gnomAD no frequency). This variant has not been reported in the literature in individuals affected with MPP5-related conditions. An algorithm developed to predict the effect of missense changes on protein structure and function (PolyPhen-2) suggests that this variant is likely to be tolerated. In summary, the available evidence is currently insufficient to determine the role of this variant in disease. Therefore, it has been classified as a Variant of Uncertain Significance.

NM_022474.4(PALS1):c.487T>C (p.Phe163Leu)

Genes: GPHN (gephyrin; plus strand), PALS1 (protein associated with LIN7 1, MAGUK p55 family member; plus strand). Cytogenetic location: 14q23.3.
Variant type: single nucleotide variant.
Coding change: c.487T>C on transcript NM_022474.4 (MANE Select); coding-DNA position 487, T replaced by C.
Protein change: p.Phe163Leu; replaces phenylalanine 163 with leucine.
Molecular consequence: missense variant.
Genome position (GRCh38, 1-based): chr14:67,292,630, T>C. VCF-style: chr14-67292630-T-C. GRCh37 (hg19) VCF-style: chr14-67759347-T-C.
Other names: c.385T>C, p.Phe129Leu (NM_001256550.2); short protein forms F163L, F129L.
Identifiers: ClinVar variation 4791492 (VCV004791492.1).
Genomic context (GRCh38, chr14:67,292,630, plus strand): 5'-AGCCAGGAGGATATTTCACTGCTTTTACAACTTGTTCAAAATAAGGATTTCCAGAATGCA[T>C]TTAAGATACACAATGCCATCACAGTACACATGAACAAGGCCAGTCCTCCATTTCCTCTTA-3'
Protein context (NP_071919.2, residues 153-173): LVQNKDFQNA[Phe163Leu]KIHNAITVHM